The following is an entry in ClinVar:

ClinVar aggregate classification (germline): Uncertain significance. Review status: criteria provided, multiple submitters, no conflicts (2 of 4 stars). 3 submissions from 3 submitters: Uncertain significance (3). Last evaluated 2025-04-04.

Conditions:
Spermatogenic failure 18. Identifiers: MedGen C4539783, MONDO:0054615, OMIM 617576.
Ciliary dyskinesia, primary, 37 (CILD37). Also called: CILIARY DYSKINESIA, PRIMARY, 37, WITH OR WITHOUT SITUS INVERSUS. Identifiers: MedGen C4539798, MONDO:0033204, OMIM 617577.
DNAH1-related disorder. Also called: DNAH1-related condition.

Allele frequency attached by ClinVar (database versions not stated): gnomAD 0.00001; ExAC 0.00003.
gnomAD v4.1: 28 of 1,608,272 alleles (0.0017%); highest among the groups gnomAD compares: Middle Eastern, 0.099%; 1 homozygote.

Submissions (3):

PreventionGenetics, part of Exact Sciences
Classification: Uncertain significance for DNAH1-related condition. Last evaluated: 2025-04-04. Review status: criteria provided, single submitter. Criteria: ACMG Guidelines, 2015. Collection method: clinical testing. Allele origin: germline.
Comment: The DNAH1 c.11798C>T variant is predicted to result in the amino acid substitution p.Ser3933Phe. To our knowledge, this variant has not been reported in the literature. This variant is reported in 0.0068% of alleles in individuals of South Asian descent in gnomAD. At this time, the clinical significance of this variant is uncertain due to the absence of conclusive functional and genetic evidence.

Labcorp Genetics (formerly Invitae), Labcorp
Classification: Uncertain significance for Ciliary dyskinesia, primary, 37; Spermatogenic failure 18. Last evaluated: 2024-12-20. Review status: criteria provided, single submitter. Criteria: Invitae Variant Classification Sherloc (09022015). Collection method: clinical testing. Allele origin: germline.
Comment: This sequence change replaces serine, which is neutral and polar, with phenylalanine, which is neutral and non-polar, at codon 3933 of the DNAH1 protein (p.Ser3933Phe). This variant is present in population databases (rs753525141, gnomAD 0.007%). This variant has not been reported in the literature in individuals affected with DNAH1-related conditions. ClinVar contains an entry for this variant (Variation ID: 2924645). Invitae Evidence Modeling of protein sequence and biophysical properties (such as structural, functional, and spatial information, amino acid conservation, physicochemical variation, residue mobility, and thermodynamic stability) has been performed for this missense variant. However, the output from this modeling did not meet the statistical confidence thresholds required to predict the impact of this variant on DNAH1 protein function. In summary, the available evidence is currently insufficient to determine the role of this variant in disease. Therefore, it has been classified as a Variant of Uncertain Significance.

Blueprint Genetics
Classification: Uncertain significance. Last evaluated: 2023-08-28. Review status: criteria provided, single submitter. Criteria: ACMG Guidelines, 2015. Collection method: clinical testing. Allele origin: germline.

NM_015512.5(DNAH1):c.11798C>T (p.Ser3933Phe)

Gene: DNAH1 (dynein axonemal heavy chain 1; plus strand). Cytogenetic location: 3p21.1.
Variant type: single nucleotide variant.
Coding change: c.11798C>T on transcript NM_015512.5 (MANE Select); coding-DNA position 11798, C replaced by T.
Protein change: p.Ser3933Phe; replaces serine 3933 with phenylalanine.
Molecular consequence: missense variant.
Genome position (GRCh38, 1-based): chr3:52,397,717, C>T. VCF-style: chr3-52397717-C-T. GRCh37 (hg19) VCF-style: chr3-52431733-C-T.
Other names: c.11798C>T (NM_015512.4); short protein forms S3933F.
Identifiers: ClinVar variation 2924645 (VCV002924645.4), dbSNP rs753525141, ClinGen allele CA2436304.